The following is an entry in ClinVar:

NM_005861.4(STUB1):c.524+5G>C

Gene: STUB1 (STIP1 homology and U-box containing protein 1; plus strand). Cytogenetic location: 16p13.3.
Variant type: single nucleotide variant.
Coding change: c.524+5G>C on transcript NM_005861.4 (MANE Select); 5 bases into the intron after coding-DNA position 524, G replaced by C.
Molecular consequence: intron variant.
Genome position (GRCh38, 1-based): chr16:681,608, G>C. VCF-style: chr16-681608-G-C. GRCh37 (hg19) VCF-style: chr16-731608-G-C.
Other names: c.308+5G>C (NM_001293197.2).
Identifiers: ClinVar variation 3897030 (VCV003897030.1).
Genomic context (GRCh38, chr16:681,608, plus strand): 5'-CAGGAGAGCGAGCTGCACTCCTACCTCTCCAGGCTCATTGCCGCGGAGCGTGAGAGGTGG[G>C]ACCCTCACCCCAGGCCGCCCTGTCTTGGGATAATTCTGAATCACCGACTCCCGACACAAG-3'

ClinVar aggregate classification (germline): Uncertain significance (1 of 4 stars; one submission).

Conditions:
Autosomal recessive spinocerebellar ataxia 16. Identifiers: Orphanet 412057, MedGen C5190574, MONDO:0014339, OMIM 615768.

Submission:

Kariminejad - Najmabadi Pathology & Genetics Center
Classification: Uncertain significance for Autosomal recessive spinocerebellar ataxia 16. Last evaluated: 2024-07-17. Review status: criteria provided, single submitter. Criteria: ACMG Guidelines, 2015. Collection method: clinical testing. Allele origin: germline. Inheritance: Autosomal recessive inheritance. Affected: yes.
Comment: PM2_M,PP3_SP